The following is an entry in ClinVar:

ClinVar aggregate classification (germline): Benign (1 of 4 stars; one submission).

Submission:

Mayo Clinic Laboratories, Mayo Clinic
Classification: Benign. Last evaluated: 2024-04-02. Review status: criteria provided, single submitter. Criteria: ACMG Guidelines, 2015. Collection method: clinical testing. Allele origin: germline. Observed: 17 variant alleles.
Comment: BS1, BP4, BP7

NM_003126.4(SPTA1):c.-127_-126dup

Gene: SPTA1 (spectrin alpha, erythrocytic 1; minus strand). Cytogenetic location: 1q23.1.
Variant type: Duplication.
Coding change: c.-127_-126dup on transcript NM_003126.4 (MANE Select); 127 bases upstream of the start codon through 126 bases upstream of the start codon, 2 bases duplicated (TT; older notation c.-127_-126dupTT).
Molecular consequence: 5 prime UTR variant.
Genome position (GRCh38, 1-based): chr1:158,686,643-158,686,644, AA duplicated on the plus strand (TT on the coding strand, the reverse complement: SPTA1 is on the minus strand); duplicating any 2 consecutive bases within chr1:158,686,643-158,686,653 gives the same sequence; the c. name uses the placement nearest the transcript's 3' end. VCF-style (leftmost placement, unchanged base first): chr1-158686642-G-GAA. GRCh37 (hg19) VCF-style: chr1-158656432-G-GAA.
Identifiers: ClinVar variation 4683691 (VCV004683691.1).